The following is an entry in ClinVar:

ClinVar aggregate classification (germline): Benign. Review status: criteria provided, multiple submitters, no conflicts (2 of 4 stars). 2 submissions from 2 submitters: Benign (2). Last evaluated 2018-06-14.

Allele frequency attached by ClinVar (database versions not stated): gnomAD exomes 0.06760; TOPMed 0.11756; gnomAD 0.11798 and 0.12038; 1000 Genomes Project 30x 0.13538; 1000 Genomes Project 0.13558.
gnomAD v4.1: 34,017 of 389,906 alleles (8.7%); highest among the groups gnomAD compares: African/African-American, 25%; 2,504 homozygotes.

Submissions (2):

GeneDx
Classification: Benign. Last evaluated: 2018-06-14. Review status: criteria provided, single submitter. Criteria: GeneDx Variant Classification (06012015). Collection method: clinical testing. Allele origin: germline. Affected: yes.
Comment: This variant is considered likely benign or benign based on one or more of the following criteria: it is a conservative change, it occurs at a poorly conserved position in the protein, it is predicted to be benign by multiple in silico algorithms, and/or has population frequency not consistent with disease.

Breakthrough Genomics
Classification: Benign. Review status: criteria provided, single submitter. Criteria: ACMG Guidelines, 2015. Collection method: not provided. Allele origin: germline. Inheritance: Autosomal recessive inheritance. Affected: yes.

NM_001277062.2(MFF):c.660-166T>C

Gene: MFF (mitochondrial fission factor; plus strand). Cytogenetic location: 2q36.3.
Variant type: single nucleotide variant.
Coding change: c.660-166T>C on transcript NM_001277062.2 (MANE Select); 166 bases into the intron before coding-DNA position 660, T replaced by C.
Molecular consequence: intron variant.
Genome position (GRCh38, 1-based): chr2:227,355,511, T>C. VCF-style: chr2-227355511-T-C. GRCh37 (hg19) VCF-style: chr2-228220227-T-C.
Other names: c.813-166T>C (NM_001277061.2, NM_020194.5); c.516-166T>C (NM_001277063.2); c.501-166T>C (NM_001277064.2); c.441-166T>C (NM_001277065.2, NM_001277066.2); c.450-166T>C (NM_001277067.1); c.543-166T>C (NM_001277068.1).
Identifiers: ClinVar variation 669502 (VCV000669502.2), dbSNP rs73090111, ClinGen allele CA15166204.